The following is an entry in ClinVar:

NM_012092.4(ICOS):c.77C>A (p.Ala26Asp)

Gene: ICOS (inducible T cell costimulator; plus strand). Cytogenetic location: 2q33.2.
Variant type: single nucleotide variant.
Coding change: c.77C>A on transcript NM_012092.4 (MANE Select); coding-DNA position 77, C replaced by A.
Protein change: p.Ala26Asp; replaces alanine 26 with aspartic acid.
Molecular consequence: missense variant.
Genome position (GRCh38, 1-based): chr2:203,955,654, C>A. VCF-style: chr2-203955654-C-A. GRCh37 (hg19) VCF-style: chr2-204820377-C-A.
Other names: short protein forms A26D.
Identifiers: ClinVar variation 841396 (VCV000841396.5), dbSNP rs761695473, ClinGen allele CA2067217.
Genomic context (GRCh38, chr2:203,955,654, plus strand): 5'-ATAAAATGTCACTTTTGCTTTGTTTTCTTTCTTTTTATGCAGGAGAAATCAATGGTTCTG[C>A]CAATTATGAGATGTTTATATTTCACAACGGAGGTGTACAAATTTTATGCAAATATCCTGA-3'
Protein context (NP_036224.1, residues 16-36): KVLTGEINGS[Ala26Asp]NYEMFIFHNG

ClinVar aggregate classification (germline): Uncertain significance (1 of 4 stars; one submission).

Conditions:
Immunodeficiency, common variable, 1. Also called: ANTIBODY DEFICIENCY DUE TO ICOS DEFECT. Identifiers: Orphanet 1572, Orphanet 695183, MedGen C3149378, MONDO:0011864, OMIM 607594.

Allele frequency attached by ClinVar (database versions not stated): ExAC 0.00001; TOPMed 0.00001; gnomAD 0.00002; gnomAD exomes 0.00002 and 0.00001.
gnomAD v4.1: 10 of 1,612,102 alleles (0.00062%); highest among the groups gnomAD compares: Admixed American, 0.017%; no homozygotes.

Submission:

Labcorp Genetics (formerly Invitae), Labcorp
Classification: Uncertain significance for Immunodeficiency, common variable, 1. Last evaluated: 2021-09-15. Review status: criteria provided, single submitter. Criteria: Invitae Variant Classification Sherloc (09022015). Collection method: clinical testing. Allele origin: germline.
Comment: This sequence change replaces alanine with aspartic acid at codon 26 of the ICOS protein (p.Ala26Asp). The alanine residue is highly conserved and there is a moderate physicochemical difference between alanine and aspartic acid. This variant is present in population databases (rs761695473, ExAC 0.009%). This variant has not been reported in the literature in individuals affected with ICOS-related conditions. Algorithms developed to predict the effect of missense changes on protein structure and function are either unavailable or do not agree on the potential impact of this missense change (SIFT: "Tolerated"; PolyPhen-2: "Probably Damaging"; Align-GVGD: "Class C0"). In summary, the available evidence is currently insufficient to determine the role of this variant in disease. Therefore, it has been classified as a Variant of Uncertain Significance.